The following is an entry in ClinVar:

NM_000807.4(GABRA2):c.1086A>G (p.Ile362Met)

Gene: GABRA2 (gamma-aminobutyric acid type A receptor subunit alpha2; minus strand). Cytogenetic location: 4p12.
Variant type: single nucleotide variant.
Coding change: c.1086A>G on transcript NM_000807.4 (MANE Select); coding-DNA position 1086, A replaced by G.
Protein change: p.Ile362Met; replaces isoleucine 362 with methionine.
Molecular consequence: missense variant.
Genome position (GRCh38, 1-based): chr4:46,250,578, T>C on the plus strand (A>G on the coding strand, the complement: GABRA2 is on the minus strand). VCF-style: chr4-46250578-T-C. GRCh37 (hg19) VCF-style: chr4-46252595-T-C.
Other names: c.1086A>G, p.Ile362Met (NM_001114175.3, NM_001377146.1, NM_001377147.1 and 4 more transcripts); c.1101A>G, p.Ile367Met (NM_001286827.3); c.1266A>G, p.Ile422Met (NM_001330690.2, NM_001377144.1, NM_001377145.1); c.921A>G, p.Ile307Met (NM_001377152.1, NM_001377153.1, NM_001377154.1); short protein forms I422M, I307M, I362M, I367M.
Identifiers: ClinVar variation 1355537 (VCV001355537.6), dbSNP rs771925030, ClinGen allele CA2906566.
Genomic context (GRCh38, chr4:46,250,578, plus strand): 5'-TGGATCTTTTGAAAGATTCGGGGCATAATTGGCAACAGCCACTGCATAAGCGTTGTTCTG[T>C]ATCATAACGGAAGCCTTTTCTTTTTTCTATTGAAAAATACAAAAATTAACAGAGTGTGGG-3'
Protein context (NP_000798.2, residues 352-372): DKKKEKASVM[Ile362Met]QNNAYAVAVA

ClinVar aggregate classification (germline): Uncertain significance (1 of 4 stars; one submission).

Allele frequency attached by ClinVar (database versions not stated): TOPMed 0.00001; gnomAD exomes 0.00003 and 0.00007; ExAC 0.00012.
gnomAD v4.1: 15 of 1,602,474 alleles (0.00094%); highest among the groups gnomAD compares: Admixed American, 0.023%; no homozygotes.

Submission:

Labcorp Genetics (formerly Invitae), Labcorp
Classification: Uncertain significance. Last evaluated: 2023-05-15. Review status: criteria provided, single submitter. Criteria: Invitae Variant Classification Sherloc (09022015). Collection method: clinical testing. Allele origin: germline.
Comment: In summary, the available evidence is currently insufficient to determine the role of this variant in disease. Therefore, it has been classified as a Variant of Uncertain Significance. Experimental studies and prediction algorithms are not available or were not evaluated, and the functional significance of this variant is currently unknown. ClinVar contains an entry for this variant (Variation ID: 1355537). This variant has not been reported in the literature in individuals affected with GABRA2-related conditions. This variant is present in population databases (rs771925030, gnomAD 0.03%), and has an allele count higher than expected for a pathogenic variant. This sequence change replaces isoleucine, which is neutral and non-polar, with methionine, which is neutral and non-polar, at codon 422 of the GABRA2 protein (p.Ile422Met).